The following is an entry in ClinVar:

ClinVar aggregate classification (germline): Pathogenic (1 of 4 stars; one submission).

Conditions:
PMM2-congenital disorder of glycosylation. Also called: CDG Ia; JAEKEN SYNDROME; PHOSPHOMANNOMUTASE 2 DEFICIENCY; CARBOHYDRATE-DEFICIENT GLYCOPROTEIN SYNDROME, TYPE Ia; PMM2-CDG; Congenital disorder of glycosylation, type Ia. Identifiers: Orphanet 79318, MedGen C0349653, MONDO:0008907, OMIM 212065.

Submission:

Labcorp Genetics (formerly Invitae), Labcorp
Classification: Pathogenic for PMM2-congenital disorder of glycosylation. Last evaluated: 2023-10-06. Review status: criteria provided, single submitter. Criteria: Invitae Variant Classification Sherloc (09022015). Collection method: clinical testing. Allele origin: germline.
Comment: This sequence change creates a premature translational stop signal (p.Gly42*) in the PMM2 gene. It is expected to result in an absent or disrupted protein product. Loss-of-function variants in PMM2 are known to be pathogenic (PMID: 19862844). This variant is not present in population databases (gnomAD no frequency). This variant has not been reported in the literature in individuals affected with PMM2-related conditions. For these reasons, this variant has been classified as Pathogenic.

Literature cited by the submitters: PubMed 19862844.

NM_000303.3(PMM2):c.124G>T (p.Gly42Ter)

Gene: PMM2 (phosphomannomutase 2; plus strand). Cytogenetic location: 16p13.2.
Variant type: single nucleotide variant.
Coding change: c.124G>T on transcript NM_000303.3 (MANE Select); coding-DNA position 124, G replaced by T.
Protein change: p.Gly42Ter; replaces glycine 42 with a stop codon.
Molecular consequence: nonsense.
Genome position (GRCh38, 1-based): chr16:8,801,856, G>T. VCF-style: chr16-8801856-G-T. GRCh37 (hg19) VCF-style: chr16-8895713-G-T.
Other names: short protein forms G42*.
Identifiers: ClinVar variation 2764297 (VCV002764297.3), dbSNP rs755402538, ClinGen allele CA394695243.
Genomic context (GRCh38, chr16:8,801,856, plus strand): 5'-TAGAAAATTACCAAAGAAATGGATGACTTCCTACAAAAATTGAGGCAGAAGATCAAAATC[G>T]GAGTGGTAGGCGGATCGGACTTTGAGAAAGTGCAGGAGCAACTGGGAAATGATGGTAAAT-3'